The following is an entry in ClinVar:

ClinVar aggregate classification (germline): Uncertain significance. Review status: criteria provided, multiple submitters, no conflicts (2 of 4 stars). 2 submissions from 2 submitters: Uncertain significance (2). Last evaluated 2022-08-16.

Conditions:
Isolated microphthalmia 5. Also called: Posterior Microphthalmia with Retinitis Pigmentosa, Foveoschisis, and Optic Disc Drusen. Identifiers: Orphanet 251279, MedGen C1970236, MONDO:0012605, OMIM 611040.

Allele frequency attached by ClinVar (database versions not stated): ExAC 0.00007; gnomAD exomes 0.00003; TOPMed 0.00002; gnomAD 0.00003.
gnomAD v4.1: 47 of 1,613,886 alleles (0.0029%); highest among the groups gnomAD compares: East Asian, 0.02%; no homozygotes.

Submissions (2):

Labcorp Genetics (formerly Invitae), Labcorp
Classification: Uncertain significance for Isolated microphthalmia 5. Last evaluated: 2022-08-16. Review status: criteria provided, single submitter. Criteria: Invitae Variant Classification Sherloc (09022015). Collection method: clinical testing. Allele origin: germline.
Comment: ClinVar contains an entry for this variant (Variation ID: 1052081). This variant has not been reported in the literature in individuals affected with MFRP-related conditions. This variant is present in population databases (rs770293747, gnomAD 0.007%). This sequence change replaces glycine, which is neutral and non-polar, with serine, which is neutral and polar, at codon 503 of the MFRP protein (p.Gly503Ser). In summary, the available evidence is currently insufficient to determine the role of this variant in disease. Therefore, it has been classified as a Variant of Uncertain Significance. Algorithms developed to predict the effect of missense changes on protein structure and function (SIFT, PolyPhen-2, Align-GVGD) all suggest that this variant is likely to be tolerated.

Blueprint Genetics
Classification: Uncertain significance. Last evaluated: 2021-11-09. Review status: criteria provided, single submitter. Criteria: ACMG Guidelines, 2015. Collection method: clinical testing. Allele origin: germline.

NM_031433.4(MFRP):c.1507G>A (p.Gly503Ser)

Genes: C1QTNF5 (C1q and TNF related 5; minus strand), MFRP (membrane frizzled-related protein; minus strand). Cytogenetic location: 11q23.3.
Variant type: single nucleotide variant.
Coding change: c.1507G>A on transcript NM_031433.4 (MANE Select); coding-DNA position 1507, G replaced by A.
Protein change: p.Gly503Ser; replaces glycine 503 with serine.
Molecular consequence: missense variant. On other transcripts: 5 prime UTR variant (1).
Genome position (GRCh38, 1-based): chr11:119,341,865, C>T on the plus strand (G>A on the coding strand, the complement: MFRP is on the minus strand). VCF-style: chr11-119341865-C-T. GRCh37 (hg19) VCF-style: chr11-119212575-C-T.
Other names: c.-1130G>A (NM_015645.5); short protein forms G503S.
Identifiers: ClinVar variation 1052081 (VCV001052081.46), dbSNP rs770293747, ClinGen allele CA6320086.